The following is an entry in ClinVar:

NM_001282116.2(RFX3):c.475-3C>G

Gene: RFX3 (regulatory factor X3; minus strand). Cytogenetic location: 9p24.2.
Variant type: single nucleotide variant.
Coding change: c.475-3C>G on transcript NM_001282116.2 (MANE Select); 3 bases into the intron before coding-DNA position 475, C replaced by G.
Molecular consequence: intron variant.
Genome position (GRCh38, 1-based): chr9:3,301,623, G>C on the plus strand (C>G on the coding strand, the complement: RFX3 is on the minus strand). VCF-style: chr9-3301623-G-C. GRCh37 (hg19) VCF-style: chr9-3301623-G-C.
Other names: c.475-3C>G (NM_001377999.1, NM_134428.3, NM_002919.4 and 1 more transcripts).
Identifiers: ClinVar variation 1065847 (VCV001065847.3), dbSNP rs2130076904, ClinGen allele CA2499219839.

ClinVar aggregate classification (germline): Uncertain significance (1 of 4 stars; one submission).

Conditions:
Attention deficit hyperactivity disorder (ADHD). Also called: Attention-Deficit/Hyperactivity Disorder. Identifiers: MedGen C1263846, MONDO:0007743, HP:0007018.

Submission:

Institute of Human Genetics, University of Goettingen
Classification: Uncertain significance for Attention deficit hyperactivity disorder. Last evaluated: 2021-05-07. Review status: criteria provided, single submitter. Criteria: ACMG Guidelines, 2015. Collection method: clinical testing. Allele origin: de novo. Inheritance: Autosomal dominant inheritance. Observed: 1 variant allele, 1 heterozygote.
Comment: The variant c.475-3C>G (p.?) in intron 5 of the RFX3-gene is not found in the gnomAD database and may have an impact on RFX3-RNA splicing, based on the prediction of the in silico splicing prediction programmes varSEAK SSP, SpliceSiteFinder-like, MaxEntScan, NNSPLICE and GeneSplicer. The given pLI-score for the RFX3-gene is 1. Although the RFX3 gene is still to be annotated within the OMIM database, Harris et al. (2021, PMID: 33658631) has identified de novo mutations within the RFX-gene family (which includes RFX3) to be causative for attention-deficit hyperactivity disorder, autism spectrum disorder, intellectual disability and dysregulated behaviour. Because no functional RT-RNA analysis was performed as of yet to determine the functional consequence of this nucleotide change, we consider this variant to be a variant of uncertain significance. ACMG criteria used for classification: PM2, PM6, PP3